The following is an entry in ClinVar:

ClinVar aggregate classification (germline): Likely benign. Review status: criteria provided, multiple submitters, no conflicts (2 of 4 stars). 8 submissions from 8 submitters: Likely benign (4). 4 of the submissions do not count toward it. Last evaluated 2026-06-01.

Conditions:
AIRE-related disorder. Also called: AIRE-related condition.
Polyglandular autoimmune syndrome, type 1 (APS1). Also called: APS I; HYPOADRENOCORTICISM WITH HYPOPARATHYROIDISM AND SUPERFICIAL MONILIASIS; PGA I; Autoimmune polyendocrine syndrome type 1; Whitaker syndrome; Autoimmune polyendocrinopathy syndrome, type I. Identifiers: Orphanet 3453, MedGen C0085859, MONDO:0009411, OMIM 240300.

Allele frequency attached by ClinVar (database versions not stated): ExAC 0.00011; gnomAD 0.00011 and 0.00012; gnomAD exomes 0.00011 and 0.00012; TOPMed 0.00012; ESP Exome Variant Server 0.00015.
gnomAD v4.1: 181 of 1,612,846 alleles (0.011%); highest among the groups gnomAD compares: Middle Eastern, 0.13%; no homozygotes.

Submissions (8):

CeGaT Center for Human Genetics Tuebingen
Classification: Likely benign. Last evaluated: 2026-06-01. Review status: criteria provided, single submitter. Criteria: CeGaT Center For Human Genetics Tuebingen Variant Classification Criteria Version 2. Collection method: clinical testing. Allele origin: germline. Affected: yes. Observed: 1 variant allele.
Comment: AIRE: BP4, BP7

Labcorp Genetics (formerly Invitae), Labcorp
Classification: Likely benign for Polyglandular autoimmune syndrome, type 1. Last evaluated: 2026-01-20. Review status: criteria provided, single submitter. Criteria: Invitae Variant Classification Sherloc (09022015). Collection method: clinical testing. Allele origin: germline.

Mayo Clinic Laboratories, Mayo Clinic
Classification: Likely benign. Last evaluated: 2025-12-03. Review status: criteria provided, single submitter. Criteria: ACMG Guidelines, 2015. Collection method: clinical testing. Allele origin: germline. Observed: 1 variant allele.
Comment: BP4, BP7

Blueprint Genetics
Classification: Likely benign. Last evaluated: 2024-11-25. Review status: criteria provided, single submitter. Criteria: ACMG Guidelines, 2015. Collection method: clinical testing. Allele origin: germline.

PreventionGenetics, part of Exact Sciences
Classification: Likely benign for AIRE-related condition. Last evaluated: 2024-08-14. Review status: no assertion criteria provided. Collection method: clinical testing. Allele origin: germline. Not counted in ClinVar's aggregate classification.
Comment: This variant is classified as likely benign based on ACMG/AMP sequence variant interpretation guidelines (Richards et al. 2015 PMID: 25741868, with internal and published modifications).

Natera, Inc.
Classification: Likely benign for Polyglandular autoimmune syndrome type 1. Last evaluated: 2020-06-05. Review status: no assertion criteria provided. Collection method: clinical testing. Allele origin: germline. Not counted in ClinVar's aggregate classification.

Clinical Genetics DNA and cytogenetics Diagnostics Lab, Erasmus MC, Erasmus Medical Center
Classification: Likely benign. Review status: no assertion criteria provided. Collection method: clinical testing. Allele origin: germline. Affected: yes. Study: VKGL Data-share Consensus. Not counted in ClinVar's aggregate classification.

Genome Diagnostics Laboratory, University Medical Center Utrecht
Classification: Likely benign. Review status: no assertion criteria provided. Collection method: clinical testing. Allele origin: germline. Affected: yes. Study: VKGL Data-share Consensus. Not counted in ClinVar's aggregate classification.

NM_000383.4(AIRE):c.705G>A (p.Lys235=)

Gene: AIRE (autoimmune regulator; plus strand). Cytogenetic location: 21q22.3.
Variant type: single nucleotide variant.
Coding change: c.705G>A on transcript NM_000383.4 (MANE Select); coding-DNA position 705, G replaced by A.
Protein change: p.Lys235=; no amino-acid change (lysine 235 retained).
Molecular consequence: synonymous variant.
Genome position (GRCh38, 1-based): chr21:44,289,709, G>A. VCF-style: chr21-44289709-G-A. GRCh37 (hg19) VCF-style: chr21-45709592-G-A.
Other names: p.Lys235=.
Identifiers: ClinVar variation 732480 (VCV000732480.17), dbSNP rs145255118, ClinGen allele CA10051683.